The following is an entry in ClinVar:

ClinVar aggregate classification (germline): Uncertain significance (1 of 4 stars; one submission).

Conditions:
Methylmalonic acidemia due to transcobalamin receptor defect (MATR). Also called: METHYLMALONIC ACIDURIA, TRANSIENT, DUE TO TRANSCOBALAMIN RECEPTOR DEFECT; METHYLMALONIC ACIDEMIA, TCblR TYPE. Identifiers: Orphanet 280183, MedGen C4749905, MONDO:0013341, OMIM 613646.

Submission:

Labcorp Genetics (formerly Invitae), Labcorp
Classification: Uncertain significance for Methylmalonic acidemia due to transcobalamin receptor defect. Last evaluated: 2024-08-01. Review status: criteria provided, single submitter. Criteria: Invitae Variant Classification Sherloc (09022015). Collection method: clinical testing. Allele origin: germline.
Comment: This sequence change replaces asparagine, which is neutral and polar, with threonine, which is neutral and polar, at codon 213 of the CD320 protein (p.Asn213Thr). This variant is not present in population databases (gnomAD no frequency). This variant has not been reported in the literature in individuals affected with CD320-related conditions. An algorithm developed to predict the effect of missense changes on protein structure and function (PolyPhen-2) suggests that this variant is likely to be disruptive. In summary, the available evidence is currently insufficient to determine the role of this variant in disease. Therefore, it has been classified as a Variant of Uncertain Significance.

NM_016579.4(CD320):c.638A>C (p.Asn213Thr)

Gene: CD320 (CD320 molecule; minus strand). Cytogenetic location: 19p13.2.
Variant type: single nucleotide variant.
Coding change: c.638A>C on transcript NM_016579.4 (MANE Select); coding-DNA position 638, A replaced by C.
Protein change: p.Asn213Thr; replaces asparagine 213 with threonine.
Molecular consequence: missense variant.
Genome position (GRCh38, 1-based): chr19:8,302,845, T>G on the plus strand (A>C on the coding strand, the complement: CD320 is on the minus strand). VCF-style: chr19-8302845-T-G. GRCh37 (hg19) VCF-style: chr19-8367729-T-G.
Other names: c.512A>C, p.Asn171Thr (NM_001165895.2); short protein forms N171T, N213T.
Identifiers: ClinVar variation 3678372 (VCV003678372.2).